The following is an entry in ClinVar:

ClinVar aggregate classification (germline): Uncertain significance. Review status: criteria provided, multiple submitters, no conflicts (2 of 4 stars). 2 submissions from 2 submitters: Uncertain significance (2). Last evaluated 2023-11-07.

Conditions:
Inborn genetic diseases. Identifiers: MedGen C0950123, MeSH D030342.

gnomAD v4.1: 4 of 1,537,034 alleles (0.00026%); highest among the groups gnomAD compares: African/African-American, 0.0055%; no homozygotes.

Submissions (2):

Labcorp Genetics (formerly Invitae), Labcorp
Classification: Uncertain significance. Last evaluated: 2023-11-07. Review status: criteria provided, single submitter. Criteria: Invitae Variant Classification Sherloc (09022015). Collection method: clinical testing. Allele origin: germline.
Comment: This sequence change replaces alanine, which is neutral and non-polar, with serine, which is neutral and polar, at codon 29 of the ZBTB20 protein (p.Ala29Ser). The frequency data for this variant in the population databases is considered unreliable, as metrics indicate poor data quality at this position in the gnomAD database. This variant has not been reported in the literature in individuals affected with ZBTB20-related conditions. ClinVar contains an entry for this variant (Variation ID: 2470692). Advanced modeling of protein sequence and biophysical properties (such as structural, functional, and spatial information, amino acid conservation, physicochemical variation, residue mobility, and thermodynamic stability) has been performed at Invitae for this missense variant, however the output from this modeling did not meet the statistical confidence thresholds required to predict the impact of this variant on ZBTB20 protein function. In summary, the available evidence is currently insufficient to determine the role of this variant in disease. Therefore, it has been classified as a Variant of Uncertain Significance.

Ambry Genetics
Classification: Uncertain significance for Inborn genetic diseases. Last evaluated: 2023-03-01. Review status: criteria provided, single submitter. Criteria: Ambry Variant Classification Scheme 2023. Collection method: clinical testing. Allele origin: germline.

NM_001348800.3(ZBTB20):c.85G>T (p.Ala29Ser)

Genes: ZBTB20 (zinc finger and BTB domain containing 20; minus strand), ZBTB20-AS1 (ZBTB20 antisense RNA 1; plus strand). Cytogenetic location: 3q13.31.
Variant type: single nucleotide variant.
Coding change: c.85G>T on transcript NM_001348800.3 (MANE Select); coding-DNA position 85, G replaced by T.
Protein change: p.Ala29Ser; replaces alanine 29 with serine.
Molecular consequence: missense variant. On other transcripts: 5 prime UTR variant (12), non-coding transcript variant (1).
Genome position (GRCh38, 1-based): chr3:114,380,331, C>A on the plus strand (G>T on the coding strand, the complement: ZBTB20 is on the minus strand). VCF-style: chr3-114380331-C-A. GRCh37 (hg19) VCF-style: chr3-114099178-C-A.
Other names: c.85G>T, p.Ala29Ser (NM_001164342.2, NM_001348803.3, NM_001393393.1 and 1 more transcripts); c.-135G>T (NM_001164343.2, NM_001164344.4, NM_001164345.4 and 9 more transcripts); short protein forms A29S.
Identifiers: ClinVar variation 2470692 (VCV002470692.5), dbSNP rs545197496, ClinGen allele CA81681080.